The following is an entry in ClinVar:

ClinVar aggregate classification (germline): Likely benign. Review status: criteria provided, multiple submitters, no conflicts (2 of 4 stars). 7 submissions from 7 submitters: Likely benign (5). 2 of the submissions do not count toward it. Last evaluated 2026-06-01.

Conditions:
ZNF423-related disorder. Also called: ZNF423-related condition.
Nephronophthisis 14 (NPHP14). Identifiers: Orphanet 2318, MedGen C3539071, MONDO:0013916, OMIM 614844.

Allele frequency attached by ClinVar (database versions not stated): gnomAD exomes 0.00019 and 0.00013; TOPMed 0.00022; ExAC 0.00023; gnomAD 0.00029 and 0.00033; 1000 Genomes Project 30x 0.00031; ESP Exome Variant Server 0.00031; 1000 Genomes Project 0.00040.
gnomAD v4.1: 245 of 1,606,944 alleles (0.015%); highest among the groups gnomAD compares: East Asian, 0.045%; no homozygotes.

Submissions (7):

CeGaT Center for Human Genetics Tuebingen
Classification: Likely benign. Last evaluated: 2026-06-01. Review status: criteria provided, single submitter. Criteria: CeGaT Center For Human Genetics Tuebingen Variant Classification Criteria Version 2. Collection method: clinical testing. Allele origin: germline. Affected: yes. Observed: 2 variant alleles.
Comment: ZNF423: BP4, BP7

Labcorp Genetics (formerly Invitae), Labcorp
Classification: Likely benign for Nephronophthisis 14. Last evaluated: 2025-12-29. Review status: criteria provided, single submitter. Criteria: Invitae Variant Classification Sherloc (09022015). Collection method: clinical testing. Allele origin: germline.

Ambry Genetics
Classification: Likely benign. Last evaluated: 2025-12-17. Review status: criteria provided, single submitter. Criteria: Ambry Variant Classification Scheme 2023. Collection method: clinical testing. Allele origin: germline.

PreventionGenetics, part of Exact Sciences
Classification: Likely benign for ZNF423-related condition. Last evaluated: 2025-07-02. Review status: criteria provided, single submitter. Criteria: ACMG Guidelines, 2015. Collection method: clinical testing. Allele origin: germline.
Comment: This variant is classified as likely benign based on ACMG/AMP sequence variant interpretation guidelines (Richards et al. 2015 PMID: 25741868, with internal and published modifications).

Blueprint Genetics
Classification: Likely benign. Last evaluated: 2024-11-08. Review status: criteria provided, single submitter. Criteria: ACMG Guidelines, 2015. Collection method: clinical testing. Allele origin: germline.

Clinical Genetics DNA and cytogenetics Diagnostics Lab, Erasmus MC, Erasmus Medical Center
Classification: Likely benign. Review status: no assertion criteria provided. Collection method: clinical testing. Allele origin: germline. Affected: yes. Study: VKGL Data-share Consensus. Not counted in ClinVar's aggregate classification.

Clinical Genetics, Academic Medical Center
Classification: Benign. Review status: no assertion criteria provided. Collection method: clinical testing. Allele origin: germline. Affected: yes. Study: VKGL Data-share Consensus. Not counted in ClinVar's aggregate classification.

NM_001379286.1(ZNF423):c.3165G>A (p.Ala1055=)

Gene: ZNF423 (zinc finger protein 423; minus strand). Cytogenetic location: 16q12.1.
Variant type: single nucleotide variant.
Coding change: c.3165G>A on transcript NM_001379286.1 (MANE Select); coding-DNA position 3165, G replaced by A.
Protein change: p.Ala1055=; no amino-acid change (alanine 1055 retained).
Molecular consequence: synonymous variant.
Genome position (GRCh38, 1-based): chr16:49,636,011, C>T on the plus strand (G>A on the coding strand, the complement: ZNF423 is on the minus strand). VCF-style: chr16-49636011-C-T. GRCh37 (hg19) VCF-style: chr16-49669922-C-T.
Other names: c.2961G>A, p.Ala987= (NM_001271620.2); c.2790G>A, p.Ala930= (NM_001330533.2); c.3141G>A, p.Ala1047= (NM_015069.5); c.3141G>A (NM_015069.2, NM_015069.4).
Identifiers: ClinVar variation 718085 (VCV000718085.39), dbSNP rs146700251, ClinGen allele CA8046376.